The following is an entry in ClinVar:

NM_005045.4(RELN):c.6646C>T (p.Arg2216Ter)

Gene: RELN (reelin; minus strand). Cytogenetic location: 7q22.1.
Variant type: single nucleotide variant.
Coding change: c.6646C>T on transcript NM_005045.4 (MANE Select); coding-DNA position 6646, C replaced by T.
Protein change: p.Arg2216Ter; replaces arginine 2216 with a stop codon.
Molecular consequence: nonsense.
Genome position (GRCh38, 1-based): chr7:103,542,756, G>A on the plus strand (C>T on the coding strand, the complement: RELN is on the minus strand). VCF-style: chr7-103542756-G-A. GRCh37 (hg19) VCF-style: chr7-103183203-G-A.
Other names: c.6646C>T, p.Arg2216Ter (NM_173054.3); short protein forms R2216*.
Identifiers: ClinVar variation 4791317 (VCV004791317.1).
Genomic context (GRCh38, chr7:103,542,756, plus strand): 5'-TGTGGTTTTTTTCAACAGCATCTAAAAATGATTACCTAGCATGTGATAAATCCAGGTCTC[G>A]TGTCATCAACATGCGCAAGCCATCTTCATTGAAAAAGAGGTTGTTTCCACTAGAAAGGAT-3'

ClinVar aggregate classification (germline): Pathogenic (1 of 4 stars; one submission).

Conditions:
Norman-Roberts syndrome (LIS2). Also called: Lissencephaly 2 (Norman-Roberts type). Identifiers: Orphanet 89844, MedGen C0796089, MONDO:0009760, OMIM 257320.
Familial temporal lobe epilepsy 7. Identifiers: Orphanet 101046, MedGen C4225327, MONDO:0014639, OMIM 616436.

Submission:

Labcorp Genetics (formerly Invitae), Labcorp
Classification: Pathogenic for Familial temporal lobe epilepsy 7; Norman-Roberts syndrome. Last evaluated: 2025-03-03. Review status: criteria provided, single submitter. Criteria: Invitae Variant Classification Sherloc (09022015). Collection method: clinical testing. Allele origin: germline.
Comment: This sequence change creates a premature translational stop signal (p.Arg2216*) in the RELN gene. It is expected to result in an absent or disrupted protein product. Loss-of-function variants in RELN are known to be pathogenic (PMID: 10973257, 26046367, 28454995). This variant is not present in population databases (gnomAD no frequency). This variant has not been reported in the literature in individuals affected with RELN-related conditions. Algorithms developed to predict the effect of sequence changes on RNA splicing suggest that this variant may disrupt the consensus splice site. For these reasons, this variant has been classified as Pathogenic.

Literature cited by the submitters: PubMed 10973257; PubMed 26046367; PubMed 28454995.